The following is an entry in ClinVar:

NM_004859.4(CLTC):c.405G>A (p.Glu135=)

Gene: CLTC (clathrin heavy chain; plus strand). Cytogenetic location: 17q23.1.
Variant type: single nucleotide variant.
Coding change: c.405G>A on transcript NM_004859.4 (MANE Select); coding-DNA position 405, G replaced by A.
Protein change: p.Glu135=; no amino-acid change (glutamic acid 135 retained).
Molecular consequence: synonymous variant.
Genome position (GRCh38, 1-based): chr17:59,647,552, G>A. VCF-style: chr17-59647552-G-A. GRCh37 (hg19) VCF-style: chr17-57724913-G-A.
Other names: c.417G>A, p.Glu139= (NM_001288653.2).
Identifiers: ClinVar variation 2647985 (VCV002647985.24), dbSNP rs2509361475, ClinGen allele CA501330838.

ClinVar aggregate classification (germline): Likely benign (1 of 4 stars; one submission).

gnomAD v4.1: 1 of 1,614,142 alleles (0.000062%); highest among the groups gnomAD compares: Non-Finnish European, 0.000085%; no homozygotes.

Submission:

CeGaT Center for Human Genetics Tuebingen
Classification: Likely benign. Last evaluated: 2022-06-01. Review status: criteria provided, single submitter. Criteria: CeGaT Center For Human Genetics Tuebingen Variant Classification Criteria Version 2. Collection method: clinical testing. Allele origin: germline. Affected: yes. Observed: 1 variant allele.
Comment: CLTC: PM2:Supporting, BP4, BP7